The following is an entry in ClinVar:

ClinVar aggregate classification (germline): Uncertain significance (3 of 4 stars; one submission).

Conditions:
Hereditary antithrombin deficiency (AT3D). Also called: Antithrombin III deficiency; Thrombophilia due to antithrombin III deficiency; Reduced antithrombin III activity; Antithrombin deficiency. Identifiers: Orphanet 82, MedGen C0272375, MONDO:0013144, OMIM 613118, HP:0001976.

Allele frequency attached by ClinVar (database versions not stated): ExAC 0.00001; gnomAD exomes 0.00001; TOPMed 0.00006; ESP Exome Variant Server 0.00008; gnomAD 0.00008.
gnomAD v4.1: 22 of 1,613,902 alleles (0.0014%); highest among the groups gnomAD compares: African/African-American, 0.024%; no homozygotes.

Submission:

Clingen Thrombosis Variant Curation Expert Panel, ClinGen
Classification: Uncertain significance for Hereditary antithrombin deficiency. Last evaluated: 2024-05-09. Review status: reviewed by expert panel. Criteria: ClinGen ACMG Specifications SERPINC1 V1.0.0. Collection method: curation. Allele origin: germline. Inheritance: Autosomal dominant inheritance.
Comment: The NM_000488.4:c.858G>C variant, which predicts a Gln286His missense change is reported at POPMAX FAF of 0.0001666 in the African/African American population in gnomAD v3.1.2, but does not meet BS1 cut-off of >=0.0002. The variant has a REVEL score of 0.697 and meets PP3 cut-off of >0.6. It is not reported in individuals with AT deficiency in the literature, to the best of our knowledge. It is reported in dbSNP (rs139463995). In summary, based on the evidence available at this time, the clinical significance of this variant is uncertain. ACMG/AMP criteria applied, as specified by the Thrombosis Variant Curation Expert Panel for SERPiNC1: PP3.

NM_000488.4(SERPINC1):c.858G>C (p.Gln286His)

Gene: SERPINC1 (serpin family C member 1; minus strand). Cytogenetic location: 1q25.1.
Variant type: single nucleotide variant.
Coding change: c.858G>C on transcript NM_000488.4 (MANE Select); coding-DNA position 858, G replaced by C.
Protein change: p.Gln286His; replaces glutamine 286 with histidine.
Molecular consequence: missense variant.
Genome position (GRCh38, 1-based): chr1:173,909,847, C>G on the plus strand (G>C on the coding strand, the complement: SERPINC1 is on the minus strand). VCF-style: chr1-173909847-C-G. GRCh37 (hg19) VCF-style: chr1-173878985-C-G.
Other names: NM_001386306.1:c.642G>C; c.714G>C, p.Gln238His (NM_001365052.2); c.981G>C, p.Gln327His (NM_001386302.1); c.939G>C, p.Gln313His (NM_001386303.1); c.837G>C, p.Gln279His (NM_001386304.1); c.801G>C, p.Gln267His (NM_001386305.1); c.642G>C, p.Gln214His (NM_001386306.1); short protein forms Q214H, Q238H, Q267H, Q279H, Q286H, Q313H, Q327H.
Identifiers: ClinVar variation 3242376 (VCV003242376.1), dbSNP rs139463995.